The following is an entry in ClinVar:

ClinVar aggregate classification (germline): Uncertain significance. Review status: criteria provided, multiple submitters, no conflicts (2 of 4 stars). 3 submissions from 3 submitters: Uncertain significance (3). Last evaluated 2026-02-01.

Conditions:
PROM1-related disorder. Also called: PROM1-related condition; PROM1-related disorders.

Allele frequency attached by ClinVar (database versions not stated): gnomAD exomes below 0.00001 and 0.00002; gnomAD 0.00001; TOPMed 0.00002.
gnomAD v4.1: 32 of 1,605,548 alleles (0.002%); highest among the groups gnomAD compares: African/African-American, 0.0054%; no homozygotes.

Submissions (3):

Labcorp Genetics (formerly Invitae), Labcorp
Classification: Uncertain significance. Last evaluated: 2026-02-01. Review status: criteria provided, single submitter. Criteria: Invitae Variant Classification Sherloc (09022015). Collection method: clinical testing. Allele origin: germline.
Comment: This sequence change replaces valine, which is neutral and non-polar, with isoleucine, which is neutral and non-polar, at codon 379 of the PROM1 protein (p.Val379Ile). This variant is present in population databases (no rsID available, gnomAD 0.0009%). This variant has not been reported in the literature in individuals affected with PROM1-related conditions. ClinVar contains an entry for this variant (Variation ID: 1500465). Invitae Evidence Modeling of protein sequence and biophysical properties (such as structural, functional, and spatial information, amino acid conservation, physicochemical variation, residue mobility, and thermodynamic stability) indicates that this missense variant is not expected to disrupt PROM1 protein function with a negative predictive value of 80%. In summary, the available evidence is currently insufficient to determine the role of this variant in disease. Therefore, it has been classified as a Variant of Uncertain Significance.

PreventionGenetics, part of Exact Sciences
Classification: Uncertain significance for PROM1-related condition. Last evaluated: 2025-01-16. Review status: criteria provided, single submitter. Criteria: ACMG Guidelines, 2015. Collection method: clinical testing. Allele origin: germline.
Comment: The PROM1 c.1135G>A variant is predicted to result in the amino acid substitution p.Val379Ile. To our knowledge, this variant has not been reported in the literature. This variant is reported in 0.00089% of alleles in individuals of European (Non-Finnish) descent in gnomAD. At this time, the clinical significance of this variant is uncertain due to the absence of conclusive functional and genetic evidence.

Blueprint Genetics
Classification: Uncertain significance. Last evaluated: 2024-04-23. Review status: criteria provided, single submitter. Criteria: ACMG Guidelines, 2015. Collection method: clinical testing. Allele origin: germline.

NM_006017.3(PROM1):c.1135G>A (p.Val379Ile)

Gene: PROM1 (prominin 1; minus strand). Cytogenetic location: 4p15.32.
Variant type: single nucleotide variant.
Coding change: c.1135G>A on transcript NM_006017.3 (MANE Select); coding-DNA position 1135, G replaced by A.
Protein change: p.Val379Ile; replaces valine 379 with isoleucine.
Molecular consequence: missense variant.
Genome position (GRCh38, 1-based): chr4:16,013,281, C>T on the plus strand (G>A on the coding strand, the complement: PROM1 is on the minus strand). VCF-style: chr4-16013281-C-T. GRCh37 (hg19) VCF-style: chr4-16014904-C-T.
Other names: c.1108G>A, p.Val370Ile (NM_001145847.2, NM_001145848.2, NM_001145851.2 and 4 more transcripts); c.1135G>A, p.Val379Ile (NM_001145849.2, NM_001145850.2); c.1135G>A (NM_006017.2); short protein forms V370I, V379I.
Identifiers: ClinVar variation 1500465 (VCV001500465.10), dbSNP rs1329126414, ClinGen allele CA356437307.